The following is an entry in ClinVar:

NM_000143.4(FH):c.132+3G>A

Gene: FH (fumarate hydratase; minus strand). Cytogenetic location: 1q43.
Variant type: single nucleotide variant.
Coding change: c.132+3G>A on transcript NM_000143.4 (MANE Select); 3 bases into the intron after coding-DNA position 132, G replaced by A.
Molecular consequence: intron variant.
Genome position (GRCh38, 1-based): chr1:241,519,588, C>T on the plus strand (G>A on the coding strand, the complement: FH is on the minus strand). VCF-style: chr1-241519588-C-T. GRCh37 (hg19) VCF-style: chr1-241682888-C-T.
Identifiers: ClinVar variation 4024829 (VCV004024829.1).

ClinVar aggregate classification (germline): Uncertain significance (1 of 4 stars; one submission).

Conditions:
Hereditary cancer-predisposing syndrome. Also called: Tumor predisposition; Hereditary neoplastic syndrome; Neoplastic Syndromes, Hereditary; Hereditary Cancer Syndrome. Identifiers: Orphanet 140162, MedGen C0027672, MeSH D009386, MONDO:0015356.

Submission:

Ambry Genetics
Classification: Uncertain significance for Hereditary cancer-predisposing syndrome. Last evaluated: 2025-05-21. Review status: criteria provided, single submitter. Criteria: Ambry Variant Classification Scheme 2023. Collection method: clinical testing. Allele origin: germline.
Comment: The c.132+3G>A intronic variant results from a G to A substitution 3 nucleotides after coding exon 1 in the FH gene. This nucleotide position is highly conserved in available vertebrate species. In silico splice site analysis predicts that this alteration will not have any significant effect on splicing. Based on the available evidence, the clinical significance of this variant remains unclear.